The following is an entry in ClinVar:

NM_021975.4(RELA):c.1137G>T (p.Leu379Phe)

Gene: RELA (RELA proto-oncogene, NF-kB subunit; minus strand). Cytogenetic location: 11q13.1.
Variant type: single nucleotide variant.
Coding change: c.1137G>T on transcript NM_021975.4 (MANE Select); coding-DNA position 1137, G replaced by T.
Protein change: p.Leu379Phe; replaces leucine 379 with phenylalanine.
Molecular consequence: missense variant. On other transcripts: intron variant (1).
Genome position (GRCh38, 1-based): chr11:65,654,897, C>A on the plus strand (G>T on the coding strand, the complement: RELA is on the minus strand). VCF-style: chr11-65654897-C-A. GRCh37 (hg19) VCF-style: chr11-65422368-C-A.
Other names: c.1128G>T, p.Leu376Phe (NM_001145138.2); c.1137G>T, p.Leu379Phe (NM_001243985.2); c.1170G>T, p.Leu390Phe (NM_001404657.1); c.1110G>T, p.Leu370Phe (NM_001404658.1); c.924G>T, p.Leu308Phe (NM_001404659.1); c.819G>T, p.Leu273Phe (NM_001404660.1); c.756G>T, p.Leu252Phe (NM_001404661.1); c.1044G>T, p.Leu348Phe (NM_001404662.1, NM_001404663.1); and 1 more; short protein forms L273F, L348F, L252F, L308F, L370F, L376F, L379F, L390F.
Identifiers: ClinVar variation 3653230 (VCV003653230.2).

ClinVar aggregate classification (germline): Uncertain significance (1 of 4 stars; one submission).

gnomAD v4.1: 1 of 1,588,760 alleles (0.000063%); highest among the groups gnomAD compares: Non-Finnish European, 0.000086%; no homozygotes.

Submission:

Labcorp Genetics (formerly Invitae), Labcorp
Classification: Uncertain significance. Last evaluated: 2024-05-13. Review status: criteria provided, single submitter. Criteria: Invitae Variant Classification Sherloc (09022015). Collection method: clinical testing. Allele origin: germline.
Comment: This sequence change replaces leucine, which is neutral and non-polar, with phenylalanine, which is neutral and non-polar, at codon 379 of the RELA protein (p.Leu379Phe). This variant is not present in population databases (gnomAD no frequency). This variant has not been reported in the literature in individuals affected with RELA-related conditions. An algorithm developed to predict the effect of missense changes on protein structure and function (PolyPhen-2) suggests that this variant is likely to be tolerated. In summary, the available evidence is currently insufficient to determine the role of this variant in disease. Therefore, it has been classified as a Variant of Uncertain Significance.